The following is an entry in ClinVar:

NM_152383.5(DIS3L2):c.264+4A>T

Gene: DIS3L2 (DIS3 like 3'-5' exoribonuclease 2; plus strand). Cytogenetic location: 2q37.1.
Variant type: single nucleotide variant.
Coding change: c.264+4A>T on transcript NM_152383.5 (MANE Select); 4 bases into the intron after coding-DNA position 264, A replaced by T.
Molecular consequence: intron variant.
Genome position (GRCh38, 1-based): chr2:232,024,334, A>T. VCF-style: chr2-232024334-A-T. GRCh37 (hg19) VCF-style: chr2-232889044-A-T.
Other names: c.264+4A>T (NM_001257281.2, NM_001257282.2).
Identifiers: ClinVar variation 844688 (VCV000844688.7), dbSNP rs1694601124, ClinGen allele CA916081396.

ClinVar aggregate classification (germline): Uncertain significance (1 of 4 stars; one submission).

Conditions:
Perlman syndrome (PRLMNS). Identifiers: Orphanet 2849, MedGen C0796113, MONDO:0009965, OMIM 267000.

Allele frequency attached by ClinVar (database versions not stated): gnomAD exomes below 0.00001; TOPMed 0.00001.
gnomAD v4.1: 6 of 1,594,948 alleles (0.00038%); highest among the groups gnomAD compares: Non-Finnish European, 0.00043%; no homozygotes.

Submission:

Labcorp Genetics (formerly Invitae), Labcorp
Classification: Uncertain significance for Perlman syndrome. Last evaluated: 2025-11-05. Review status: criteria provided, single submitter. Criteria: Invitae Variant Classification Sherloc (09022015). Collection method: clinical testing. Allele origin: germline.
Comment: This sequence change falls in intron 4 of the DIS3L2 gene. It does not directly change the encoded amino acid sequence of the DIS3L2 protein. It affects a nucleotide within the consensus splice site. This variant is not present in population databases (gnomAD no frequency). This variant has not been reported in the literature in individuals affected with DIS3L2-related conditions. ClinVar contains an entry for this variant (Variation ID: 844688). Variants that disrupt the consensus splice site are a relatively common cause of aberrant splicing (PMID: 17576681, 9536098). Algorithms developed to predict the effect of sequence changes on RNA splicing suggest that this variant is not likely to affect RNA splicing. In summary, the available evidence is currently insufficient to determine the role of this variant in disease. Therefore, it has been classified as a Variant of Uncertain Significance.

Literature cited by the submitters: PubMed 17576681; PubMed 9536098.